The following is an entry in ClinVar:

NM_000038.6(APC):c.3675C>T (p.Ala1225=)

Gene: APC (APC regulator of Wnt signaling pathway; plus strand). Cytogenetic location: 5q22.2.
Variant type: single nucleotide variant.
Coding change: c.3675C>T on transcript NM_000038.6 (MANE Select); coding-DNA position 3675, C replaced by T.
Protein change: p.Ala1225=; no amino-acid change (alanine 1225 retained).
Molecular consequence: synonymous variant.
Genome position (GRCh38, 1-based): chr5:112,839,269, C>T. VCF-style: chr5-112839269-C-T. GRCh37 (hg19) VCF-style: chr5-112174966-C-T.
Other names: c.3675C>T, p.Ala1225= (NM_001127510.3, NM_001354895.2); c.3621C>T, p.Ala1207= (NM_001127511.3); c.3729C>T, p.Ala1243= (NM_001354896.2); c.3705C>T, p.Ala1235= (NM_001354897.2); c.3600C>T, p.Ala1200= (NM_001354898.2); c.3591C>T, p.Ala1197= (NM_001354899.2); c.3552C>T, p.Ala1184= (NM_001354900.2); c.3498C>T, p.Ala1166= (NM_001354901.2); and 5 more.
Identifiers: ClinVar variation 824059 (VCV000824059.14), dbSNP rs759214956, ClinGen allele CA445963862.

ClinVar aggregate classification (germline): Benign/Likely benign. Review status: criteria provided, multiple submitters, no conflicts (2 of 4 stars). 4 submissions from 4 submitters: Benign (1); Likely benign (3). Last evaluated 2025-11-16.

Conditions:
Hereditary cancer-predisposing syndrome. Also called: Neoplastic Syndromes, Hereditary; Tumor predisposition; Hereditary neoplastic syndrome; Hereditary Cancer Syndrome. Identifiers: Orphanet 140162, MedGen C0027672, MeSH D009386, MONDO:0015356.
Familial adenomatous polyposis 1 (FAP1). Also called: POLYPOSIS, ADENOMATOUS INTESTINAL; FAMILIAL ADENOMATOUS POLYPOSIS 1, ATTENUATED. Identifiers: MedGen C2713442, MONDO:0021056, OMIM 175100. Disease mechanism: loss of function.

Allele frequency attached by ClinVar (database versions not stated): gnomAD exomes below 0.00001; TOPMed 0.00001.
gnomAD v4.1: 3 of 1,613,984 alleles (0.00019%); highest among the groups gnomAD compares: East Asian, 0.0067%; no homozygotes.

Submissions (4):

Labcorp Genetics (formerly Invitae), Labcorp
Classification: Likely benign for Familial adenomatous polyposis 1. Last evaluated: 2025-11-16. Review status: criteria provided, single submitter. Criteria: Invitae Variant Classification Sherloc (09022015). Collection method: clinical testing. Allele origin: germline.

Myriad Genetics, Inc.
Classification: Benign for Familial adenomatous polyposis 1. Last evaluated: 2024-03-21. Review status: criteria provided, single submitter. Criteria: Myriad Autosomal Dominant, Autosomal Recessive and X-Linked Classification Criteria (2023). Collection method: clinical testing. Allele origin: unknown.
Comment: This variant is considered benign. This variant is a silent/synonymous amino acid change and it is not expected to impact splicing.

Color Diagnostics, LLC DBA Color Health
Classification: Likely benign for Hereditary cancer-predisposing syndrome. Last evaluated: 2023-04-10. Review status: criteria provided, single submitter. Criteria: ACMG Guidelines, 2015. Collection method: clinical testing. Allele origin: germline.

Ambry Genetics
Classification: Likely benign for Hereditary cancer-predisposing syndrome. Last evaluated: 2018-01-17. Review status: criteria provided, single submitter. Criteria: Ambry Variant Classification Scheme 2023. Collection method: clinical testing. Allele origin: germline.